The following is an entry in ClinVar:

NM_001042492.3(NF1):c.439_445dup (p.Asn149fs)

Gene: NF1 (neurofibromin 1; plus strand). Cytogenetic location: 17q11.2.
Variant type: Duplication.
Coding change: c.439_445dup on transcript NM_001042492.3 (MANE Select); coding-DNA positions 439 to 445, 7 bases duplicated (TGCAACA; older notation c.439_445dupTGCAACA).
Protein change: p.Asn149fs; shifts the reading frame from asparagine 149.
Molecular consequence: frameshift variant.
Genome position (GRCh38, 1-based): chr17:31,163,336-31,163,342, TGCAACA duplicated. VCF-style (leftmost placement, unchanged base first): chr17-31163335-C-CTGCAACA. GRCh37 (hg19) VCF-style: chr17-29490353-C-CTGCAACA.
Other names: c.439_445dup, p.Asn149Metfs (NM_000267.4); c.439_445dup, p.Asn149fs (NM_001128147.3); short protein forms N149fs.
Identifiers: ClinVar variation 863925 (VCV000863925.6), dbSNP rs2065795260, ClinGen allele CA916080566.

ClinVar aggregate classification (germline): Pathogenic (1 of 4 stars; one submission).

Conditions:
Neurofibromatosis, type 1 (NF1). Also called: Neurofibromatosis, type I; VON RECKLINGHAUSEN DISEASE; Peripheral type neurofibromatosis; NEUROFIBROMATOSIS, TYPE I, SOMATIC. Identifiers: Orphanet 636, MedGen C0027831, MONDO:0018975, OMIM 162200. Disease mechanism: loss of function.

Submission:

Labcorp Genetics (formerly Invitae), Labcorp
Classification: Pathogenic for Neurofibromatosis, type 1. Last evaluated: 2019-11-18. Review status: criteria provided, single submitter. Criteria: Invitae Variant Classification Sherloc (09022015). Collection method: clinical testing. Allele origin: germline.
Comment: This sequence change creates a premature translational stop signal (p.Asn149Metfs*9) in the NF1 gene. It is expected to result in an absent or disrupted protein product. This variant is not present in population databases (ExAC no frequency). This variant has not been reported in the literature in individuals with NF1-related conditions. Loss-of-function variants in NF1 are known to be pathogenic (PMID: 10712197, 23913538). For these reasons, this variant has been classified as Pathogenic.

Literature cited by the submitters: PubMed 10712197; PubMed 23913538.